The following is an entry in ClinVar:

NM_000169.3(GLA):c.261_278del (p.Glu87_Asp92del)

Genes: GLA (galactosidase alpha; minus strand), RPL36A-HNRNPH2 (RPL36A-HNRNPH2 readthrough; plus strand). Cytogenetic location: Xq22.1.
Variant type: Deletion.
Coding change: c.261_278del on transcript NM_000169.3 (MANE Select); coding-DNA positions 261 to 278, 18 bases deleted (GTACCTCTGCATTGATGA).
Protein change: p.Glu87_Asp92del.
Molecular consequence: inframe deletion. On other transcripts: non-coding transcript variant (3), intron variant (2).
Genome position (GRCh38, 1-based): chrX:101,403,902-101,403,919, TCATCAATGCAGAGGTAC deleted on the plus strand (GTACCTCTGCATTGATGA on the coding strand, the reverse complement: GLA is on the minus strand); deleting any 18 consecutive bases within chrX:101,403,902-101,403,923 gives the same sequence; the c. name uses the placement nearest the transcript's 3' end. VCF-style (leftmost placement, unchanged base first): chrX-101403901-GTCATCAATGCAGAGGTAC-G. GRCh37 (hg19) VCF-style: chrX-100658889-GTCATCAATGCAGAGGTAC-G.
Other names: c.384_401del, p.Glu128_Asp133del (NM_001406747.1, NM_001406749.1); c.261_278del, p.Glu87_Asp92del (NM_001406748.1); c.301-8030_301-8013del (NM_001199973.2); c.178-8030_178-8013del (NM_001199974.2).
Identifiers: ClinVar variation 4087035 (VCV004087035.2).

ClinVar aggregate classification (germline): Pathogenic (1 of 4 stars; one submission).

Conditions:
Fabry disease. Also called: ALPHA-GALACTOSIDASE A DEFICIENCY; ANDERSON-FABRY DISEASE; CERAMIDE TRIHEXOSIDASE DEFICIENCY; GLA DEFICIENCY; HEREDITARY DYSTOPIC LIPIDOSIS; Angiokeratoma corporis diffusum. Identifiers: Orphanet 324, MedGen C0002986, MONDO:0010526, OMIM 301500, HP:0001071. Disease mechanism: Fabry disease is due to inactivating mutations in the X-linked GLA gene resulting in deficiency of the enzyme Alpha Galactosidase-A., loss of function.

Submission:

Genomenon, Inc
Classification: Pathogenic for Fabry disease. Last evaluated: 2026-09-08. Review status: criteria provided, single submitter. Criteria: Genomenon Sequence Variant Interpretation Standards - Updated. Collection method: curation. Allele origin: germline. Affected: yes.
Comment: GLA p.Glu87_Asp92del (c.261_278del) is an in-frame deletion that results in the loss of multiple amino acids, from Glutamic acid at codon 87 to Aspartic acid at codon 92. This variant has been observed in at least one proband with clinical features consistent with Fabry disease (PMID:34356073). At least one functional study has demonstrated a substantial alteration in protein function relative to the wild-type (PMID:27657681). This variant is located in a mutational hotspot and/or important functional domain. It is absent or not present at a significant frequency in gnomAD. In conclusion, we classify GLA p.Glu87_Asp92del (c.261_278del) as a pathogenic variant.

Literature cited by the submitters: PubMed 34356073; PubMed 27657681.